The following is an entry in ClinVar:

ClinVar aggregate classification (germline): Uncertain significance (1 of 4 stars; one submission).

Conditions:
Cardiovascular phenotype. Identifiers: MedGen CN230736.

Submission:

Ambry Genetics
Classification: Uncertain significance for Cardiovascular phenotype. Last evaluated: 2026-07-26. Review status: criteria provided, single submitter. Criteria: Ambry Variant Classification Scheme 2023. Collection method: clinical testing. Allele origin: germline.
Comment: The p.P1484R variant (also known as c.4451C>G), located in coding exon 2 of the ZNF469 gene, results from a C to G substitution at nucleotide position 4451. The proline at codon 1484 is replaced by arginine, an amino acid with dissimilar properties. This amino acid position is conserved. In addition, this alteration is predicted to be tolerated by in silico analysis. Based on the available evidence, the clinical significance of this variant remains unclear.

NM_001367624.2(ZNF469):c.4535C>G (p.Pro1512Arg)

Gene: ZNF469 (zinc finger protein 469; plus strand). Cytogenetic location: 16q24.2.
Variant type: single nucleotide variant.
Coding change: c.4535C>G on transcript NM_001367624.2 (MANE Select); coding-DNA position 4535, C replaced by G.
Protein change: p.Pro1512Arg; replaces proline 1512 with arginine.
Molecular consequence: missense variant.
Genome position (GRCh38, 1-based): chr16:88,432,005, C>G. VCF-style: chr16-88432005-C-G. GRCh37 (hg19) VCF-style: chr16-88498413-C-G.
Other names: NM_001127464.1:c.4451C>G; short protein forms P1512R.
Identifiers: ClinVar variation 5032237 (VCV005032237.1).